The following is an entry in ClinVar:

ClinVar aggregate classification (germline): Uncertain significance. Review status: criteria provided, multiple submitters, no conflicts (2 of 4 stars). 2 submissions from 2 submitters: Uncertain significance (2). Last evaluated 2026-01-20.

Conditions:
Hereditary cancer-predisposing syndrome. Also called: Neoplastic Syndromes, Hereditary; Tumor predisposition; Hereditary neoplastic syndrome; Hereditary Cancer Syndrome. Identifiers: Orphanet 140162, MedGen C0027672, MeSH D009386, MONDO:0015356.
Lynch syndrome 5 (LYNCH5). Also called: Colorectal cancer, hereditary nonpolyposis, type 5; Hereditary non-polyposis colorectal cancer, type 5. Identifiers: Orphanet 144, MedGen C1833477, MONDO:0013710, OMIM 614350. Disease mechanism: loss of function.

gnomAD v4.1: 1 of 1,614,126 alleles (0.000062%); highest among the groups gnomAD compares: Non-Finnish European, 0.000085%; no homozygotes.

Submissions (2):

Ambry Genetics
Classification: Uncertain significance for Hereditary cancer-predisposing syndrome. Last evaluated: 2026-01-20. Review status: criteria provided, single submitter. Criteria: Ambry Variant Classification Scheme 2023. Collection method: clinical testing. Allele origin: germline.
Comment: The p.S418F variant (also known as c.1253C>T), located in coding exon 4 of the MSH6 gene, results from a C to T substitution at nucleotide position 1253. The serine at codon 418 is replaced by phenylalanine, an amino acid with highly dissimilar properties. This amino acid position is well conserved in available vertebrate species. In addition, this alteration is predicted to be deleterious by in silico analysis. Based on the available evidence, the clinical significance of this variant remains unclear.

Molecular Pathology, Peter Maccallum Cancer Centre
Classification: Uncertain significance for Lynch syndrome 5. Last evaluated: 2025-01-02. Review status: criteria provided, single submitter. Criteria: ACMG Guidelines, 2015. Collection method: clinical testing. Allele origin: germline. Inheritance: Autosomal dominant inheritance.

NM_000179.3(MSH6):c.1253C>T (p.Ser418Phe)

Gene: MSH6 (mutS homolog 6; plus strand). Cytogenetic location: 2p16.3.
Variant type: single nucleotide variant.
Coding change: c.1253C>T on transcript NM_000179.3 (MANE Select); coding-DNA position 1253, C replaced by T.
Protein change: p.Ser418Phe; replaces serine 418 with phenylalanine.
Molecular consequence: missense variant. On other transcripts: non-coding transcript variant (4), intron variant (1).
Genome position (GRCh38, 1-based): chr2:47,799,236, C>T. VCF-style: chr2-47799236-C-T. GRCh37 (hg19) VCF-style: chr2-48026375-C-T.
Other names: c.863C>T, p.Ser288Phe (NM_001281492.2); c.347C>T, p.Ser116Phe (NM_001281493.2, NM_001281494.2, NM_001406811.1 and 6 more transcripts); c.1349C>T, p.Ser450Phe (NM_001406795.1, NM_001406802.1); c.1253C>T, p.Ser418Phe (NM_001406796.1, NM_001406798.1, NM_001406817.1 and 4 more transcripts); c.956C>T, p.Ser319Phe (NM_001406797.1, NM_001406818.1, NM_001406819.1 and 10 more transcripts); c.728C>T, p.Ser243Phe (NM_001406799.1, NM_001406806.1, NM_001406807.1); c.1259C>T, p.Ser420Phe (NM_001406813.1); c.628-1430C>T (NM_001407362.1); and 2 more; short protein forms S288F, S319F, S420F, S450F, S116F, S362F, S243F, S392F.
Identifiers: ClinVar variation 4056195 (VCV004056195.2).